The following is an entry in ClinVar:

NM_017951.5(SMPD4):c.2325C>T (p.Gly775=)

Gene: SMPD4 (sphingomyelin phosphodiesterase 4; minus strand). Cytogenetic location: 2q21.1.
Variant type: single nucleotide variant.
Coding change: c.2325C>T on transcript NM_017951.5 (MANE Select); coding-DNA position 2325, C replaced by T.
Protein change: p.Gly775=; no amino-acid change (glycine 775 retained).
Molecular consequence: synonymous variant. On other transcripts: non-coding transcript variant (2).
Genome position (GRCh38, 1-based): chr2:130,152,714, G>A on the plus strand (C>T on the coding strand, the complement: SMPD4 is on the minus strand). VCF-style: chr2-130152714-G-A. GRCh37 (hg19) VCF-style: chr2-130910287-G-A.
Other names: c.2136C>T, p.Gly712= (NM_001171083.2); c.2355C>T, p.Gly785= (NM_017751.4).
Identifiers: ClinVar variation 2651355 (VCV002651355.24), dbSNP rs529527017, ClinGen allele CA1869438.

ClinVar aggregate classification (germline): Likely benign (1 of 4 stars; one submission).

Allele frequency attached by ClinVar (database versions not stated): gnomAD 0.00006; ExAC 0.00008.
gnomAD v4.1: 187 of 1,582,036 alleles (0.012%); highest among the groups gnomAD compares: Non-Finnish European, 0.016%; no homozygotes.

Submission:

CeGaT Center for Human Genetics Tuebingen
Classification: Likely benign. Last evaluated: 2023-10-01. Review status: criteria provided, single submitter. Criteria: CeGaT Center For Human Genetics Tuebingen Variant Classification Criteria Version 2. Collection method: clinical testing. Allele origin: germline. Affected: yes. Observed: 1 variant allele.
Comment: SMPD4: BP4, BP7